The following is an entry in ClinVar:

NM_017654.4(SAMD9):c.4766T>C (p.Val1589Ala)

Gene: SAMD9 (sterile alpha motif domain containing 9; minus strand). Cytogenetic location: 7q21.2.
Variant type: single nucleotide variant.
Coding change: c.4766T>C on transcript NM_017654.4 (MANE Select); coding-DNA position 4766, T replaced by C.
Protein change: p.Val1589Ala; replaces valine 1589 with alanine.
Molecular consequence: missense variant.
Genome position (GRCh38, 1-based): chr7:93,101,332, A>G on the plus strand (T>C on the coding strand, the complement: SAMD9 is on the minus strand). VCF-style: chr7-93101332-A-G. GRCh37 (hg19) VCF-style: chr7-92730645-A-G.
Other names: c.4766T>C, p.Val1589Ala (NM_001193307.2); short protein forms V1589A.
Identifiers: ClinVar variation 4159219 (VCV004159219.1).
Genomic context (GRCh38, chr7:93,101,332, plus strand): 5'-CCAAAAAAATTAAATGGGTACTGAGATCAAATTCTTGGAGGAAGAATATCAGGCTCTTAA[A>G]CAATTTCAATGTCATAAGCAAGTGGGCCTCCAATGGAAAATCCCAGGTAAAAAGACACCT-3'
Protein context (NP_060124.2, residues 1579-1589): GGPLAYDIEI[Val1589Ala]

ClinVar aggregate classification (germline): Uncertain significance (1 of 4 stars; one submission).

Conditions:
Inborn genetic diseases. Identifiers: MedGen C0950123, MeSH D030342.

gnomAD v4.1: 1 of 1,610,752 alleles (0.000062%); highest among the groups gnomAD compares: Non-Finnish European, 0.000085%; no homozygotes.

Submission:

Ambry Genetics
Classification: Uncertain significance for Inborn genetic diseases. Last evaluated: 2025-09-10. Review status: criteria provided, single submitter. Criteria: Ambry Variant Classification Scheme 2023. Collection method: clinical testing. Allele origin: germline.
Comment: The p.V1589A variant (also known as c.4766T>C), located in coding exon 1 of the SAMD9 gene, results from a T to C substitution at nucleotide position 4766. The valine at codon 1589 is replaced by alanine, an amino acid with similar properties. This amino acid position is conserved. In addition, this alteration is predicted to be tolerated by in silico analysis. Based on the available evidence, the clinical significance of this variant remains unclear.